The following is an entry in ClinVar:

NM_001171613.2(PREPL):c.1757A>G (p.Tyr586Cys)

Genes: PREPL (prolyl endopeptidase like; minus strand), SLC3A1 (solute carrier family 3 member 1; plus strand). Cytogenetic location: 2p21.
Variant type: single nucleotide variant.
Coding change: c.1757A>G on transcript NM_001171613.2 (MANE Select); coding-DNA position 1757, A replaced by G.
Protein change: p.Tyr586Cys; replaces tyrosine 586 with cysteine.
Molecular consequence: missense variant.
Genome position (GRCh38, 1-based): chr2:44,321,897, T>C on the plus strand (A>G on the coding strand, the complement: PREPL is on the minus strand). VCF-style: chr2-44321897-T-C. GRCh37 (hg19) VCF-style: chr2-44549036-T-C.
Other names: c.2024A>G, p.Tyr675Cys (NM_006036.4, NM_001171603.1, NM_001171606.2 and 2 more transcripts); c.1838A>G, p.Tyr613Cys (NM_001042385.2); c.1826A>G, p.Tyr609Cys (NM_001042386.2); c.1757A>G, p.Tyr586Cys (NM_001171617.1, NM_001374277.1); short protein forms Y586C, Y675C, Y609C, Y613C.
Identifiers: ClinVar variation 955178 (VCV000955178.7), dbSNP rs142051325, ClinGen allele CA1640956.
Genomic context (GRCh38, chr2:44,321,897, plus strand): 5'-GAATCCTCAATTACATGATTGCCTCCAGGCTGAATATCTAGAATAATATTAGGGGTCTGA[T>C]AGCCTGGAAGAGTTAACATGTAGAACAATTAGAAGATTGTATGGGATCTTCTTTGGAAGA-3'
Protein context (NP_001165084.1, residues 576-596): AEHAKDTGEG[Tyr586Cys]QTPNIILDIQ

ClinVar aggregate classification (germline): Uncertain significance (1 of 4 stars; one submission).

Conditions:
Myasthenic syndrome, congenital, 22 (CMS22). Also called: PREPL DEFICIENCY. Identifiers: MedGen C4479088, MONDO:0044299, OMIM 616224.

Allele frequency attached by ClinVar (database versions not stated): gnomAD exomes 0.00002; gnomAD 0.00004; TOPMed 0.00007; ESP Exome Variant Server 0.00008; ExAC 0.00001.
gnomAD v4.1: 34 of 1,612,878 alleles (0.0021%); highest among the groups gnomAD compares: African/African-American, 0.012%; no homozygotes.

Submission:

Labcorp Genetics (formerly Invitae), Labcorp
Classification: Uncertain significance for Myasthenic syndrome, congenital, 22. Last evaluated: 2022-07-13. Review status: criteria provided, single submitter. Criteria: Invitae Variant Classification Sherloc (09022015). Collection method: clinical testing. Allele origin: germline.
Comment: This sequence change replaces tyrosine, which is neutral and polar, with cysteine, which is neutral and slightly polar, at codon 675 of the PREPL protein (p.Tyr675Cys). This variant is present in population databases (rs142051325, gnomAD 0.01%). This variant has not been reported in the literature in individuals affected with PREPL-related conditions. ClinVar contains an entry for this variant (Variation ID: 955178). Algorithms developed to predict the effect of missense changes on protein structure and function are either unavailable or do not agree on the potential impact of this missense change (SIFT: "Tolerated"; PolyPhen-2: "Probably Damaging"; Align-GVGD: "Class C0"). In summary, the available evidence is currently insufficient to determine the role of this variant in disease. Therefore, it has been classified as a Variant of Uncertain Significance.